The following is an entry in ClinVar:

NM_001694.4(ATP6V0C):c.448C>T (p.Leu150Phe)

Gene: ATP6V0C (ATPase H+ transporting V0 subunit c; plus strand). Cytogenetic location: 16p13.3.
Variant type: single nucleotide variant.
Coding change: c.448C>T on transcript NM_001694.4 (MANE Select); coding-DNA position 448, C replaced by T.
Protein change: p.Leu150Phe; replaces leucine 150 with phenylalanine.
Molecular consequence: missense variant.
Genome position (GRCh38, 1-based): chr16:2,519,725, C>T. VCF-style: chr16-2519725-C-T. GRCh37 (hg19) VCF-style: chr16-2569726-C-T.
Other names: L150F; c.448T>C (NM_001694.4); c.448C>T, p.Leu150Phe (NM_001198569.2); c.448C>T (NM_001198569.1).
Identifiers: ClinVar variation 2575308 (VCV002575308.2), dbSNP rs2505559214, ClinGen allele CA394388864.

ClinVar aggregate classification (germline): Pathogenic. Review status: criteria provided, single submitter (1 of 4 stars). 2 submissions from 2 submitters: Pathogenic (1). 1 of the submissions does not count toward it. Last evaluated 2022-12-02.

Conditions:
EPILEPSY, EARLY-ONSET, 3, WITH DEVELOPMENTAL DELAY.

Submissions (2):

GeneDx
Classification: Pathogenic. Last evaluated: 2022-12-02. Review status: criteria provided, single submitter. Criteria: GeneDx Variant Classification Process June 2021. Collection method: clinical testing. Allele origin: germline. Affected: yes.
Comment: Not observed at significant frequency in large population cohorts (gnomAD); In silico analysis supports that this missense variant has a deleterious effect on protein structure/function; This variant is associated with the following publications: (PMID: 36074901)

OMIM
Classification: Pathogenic for EPILEPSY, EARLY-ONSET, 3, WITH DEVELOPMENTAL DELAY. Last evaluated: 2023-08-14. Review status: no assertion criteria provided. Collection method: literature only. Allele origin: germline. Not counted in ClinVar's aggregate classification.

Literature cited by the submitters: PubMed 36074901 (cited by OMIM).